The following is an entry in ClinVar:

ClinVar aggregate classification (germline): Uncertain significance. Review status: criteria provided, multiple submitters, no conflicts (2 of 4 stars). 2 submissions from 2 submitters: Uncertain significance (2). Last evaluated 2024-11-26.

Conditions:
Oto-palato-digital syndrome, type II (OPD2). Also called: FACIOPALATOOSSEOUS SYNDROME; OPD II SYNDROME; Otopalatodigital Syndrome, Type II; Otopalatodigital Syndrome Type 2 (FLNA-OPD2). Identifiers: Orphanet 669, Orphanet 90652, MedGen C1844696, MONDO:0010571, OMIM 304120.
Heterotopia, periventricular, X-linked dominant (PVNH1). Also called: PERIVENTRICULAR NODULAR HETEROTOPIA 1; X-linked periventricular heterotopia; PERIVENTRICULAR NODULAR HETEROTOPIA 4; HETEROTOPIA, PERIVENTRICULAR, 1. Identifiers: Orphanet 2149, Orphanet 82004, MedGen C1848213, MONDO:0010233, OMIM 300049.
Frontometaphyseal dysplasia (FMD1). Identifiers: Orphanet 1826, MedGen C0265293, MONDO:0015942.
Melnick-Needles syndrome (MNS). Also called: MELNICK-NEEDLES OSTEODYSPLASTY; OSTEODYSPLASTY OF MELNICK AND NEEDLES; Melnick-Needles Syndrome (FLNA-MNS). Identifiers: Orphanet 2484, MedGen C0025237, MONDO:0010650, OMIM 309350.

Submissions (2):

Women's Health and Genetics/Laboratory Corporation of America, LabCorp
Classification: Uncertain significance. Last evaluated: 2024-11-26. Review status: criteria provided, single submitter. Criteria: LabCorp Variant Classification Summary - May 2015. Collection method: clinical testing. Allele origin: germline.
Comment: Variant summary: FLNA c.4283A>G (p.Tyr1428Cys) results in a non-conservative amino acid change located in the Filamin/ABP280 repeat profile domain ( IPR017868) of the encoded protein sequence. Five of five in-silico tools predict a damaging effect of the variant on protein function. The variant was absent in 181264 control chromosomes. The available data on variant occurrences in the general population are insufficient to allow any conclusion about variant significance. To our knowledge, no occurrence of c.4283A>G in individuals affected with Periventricular Nodular Heterotopia and no experimental evidence demonstrating its impact on protein function have been reported. ClinVar contains an entry for this variant (Variation ID: 2932960). Based on the evidence outlined above, the variant was classified as uncertain significance.

Labcorp Genetics (formerly Invitae), Labcorp
Classification: Uncertain significance for Oto-palato-digital syndrome, type II; Heterotopia, periventricular, X-linked dominant; Frontometaphyseal dysplasia; Melnick-Needles syndrome. Last evaluated: 2023-12-07. Review status: criteria provided, single submitter. Criteria: Invitae Variant Classification Sherloc (09022015). Collection method: clinical testing. Allele origin: germline.
Comment: This sequence change replaces tyrosine, which is neutral and polar, with cysteine, which is neutral and slightly polar, at codon 1428 of the FLNA protein (p.Tyr1428Cys). This variant is not present in population databases (gnomAD no frequency). This variant has not been reported in the literature in individuals affected with FLNA-related conditions. Advanced modeling of protein sequence and biophysical properties (such as structural, functional, and spatial information, amino acid conservation, physicochemical variation, residue mobility, and thermodynamic stability) performed at Invitae indicates that this missense variant is not expected to disrupt FLNA protein function with a negative predictive value of 95%. In summary, the available evidence is currently insufficient to determine the role of this variant in disease. Therefore, it has been classified as a Variant of Uncertain Significance.

NM_001110556.2(FLNA):c.4283A>G (p.Tyr1428Cys)

Gene: FLNA (filamin A; minus strand). Cytogenetic location: Xq28.
Variant type: single nucleotide variant.
Coding change: c.4283A>G on transcript NM_001110556.2 (MANE Select); coding-DNA position 4283, A replaced by G.
Protein change: p.Tyr1428Cys; replaces tyrosine 1428 with cysteine.
Molecular consequence: missense variant.
Genome position (GRCh38, 1-based): chrX:154,359,266, T>C on the plus strand (A>G on the coding strand, the complement: FLNA is on the minus strand). VCF-style: chrX-154359266-T-C. GRCh37 (hg19) VCF-style: chrX-153587634-T-C.
Other names: c.4283A>G, p.Tyr1428Cys (NM_001456.4); short protein forms Y1428C.
Identifiers: ClinVar variation 2932960 (VCV002932960.5), dbSNP rs2522737876, ClinGen allele CA415217753.